The following is an entry in ClinVar:

ClinVar aggregate classification (germline): Uncertain significance (1 of 4 stars; one submission).

Conditions:
Progressive myoclonic epilepsy type 7. Identifiers: Orphanet 435438, MedGen C4015420, MONDO:0014521, OMIM 616187.

Allele frequency attached by ClinVar (database versions not stated): gnomAD 0.00001.
gnomAD v4.1: 2 of 1,614,092 alleles (0.00012%); highest among the groups gnomAD compares: South Asian, 0.0011%; no homozygotes.

Submission:

Labcorp Genetics (formerly Invitae), Labcorp
Classification: Uncertain significance for Progressive myoclonic epilepsy type 7. Last evaluated: 2023-06-05. Review status: criteria provided, single submitter. Criteria: Invitae Variant Classification Sherloc (09022015). Collection method: clinical testing. Allele origin: germline.
Comment: In summary, the available evidence is currently insufficient to determine the role of this variant in disease. Therefore, it has been classified as a Variant of Uncertain Significance. Advanced modeling of protein sequence and biophysical properties (such as structural, functional, and spatial information, amino acid conservation, physicochemical variation, residue mobility, and thermodynamic stability) performed at Invitae indicates that this missense variant is not expected to disrupt KCNC1 protein function. This sequence change replaces proline, which is neutral and non-polar, with serine, which is neutral and polar, at codon 217 of the KCNC1 protein (p.Pro217Ser). This variant is not present in population databases (gnomAD no frequency). This variant has not been reported in the literature in individuals affected with KCNC1-related conditions.

NM_001112741.2(KCNC1):c.649C>T (p.Pro217Ser)

Gene: KCNC1 (potassium voltage-gated channel subfamily C member 1; plus strand). Cytogenetic location: 11p15.1.
Variant type: single nucleotide variant.
Coding change: c.649C>T on transcript NM_001112741.2 (MANE Select); coding-DNA position 649, C replaced by T.
Protein change: p.Pro217Ser; replaces proline 217 with serine.
Molecular consequence: missense variant.
Genome position (GRCh38, 1-based): chr11:17,771,743, C>T. VCF-style: chr11-17771743-C-T. GRCh37 (hg19) VCF-style: chr11-17793290-C-T.
Other names: c.649C>T, p.Pro217Ser (NM_004976.4); short protein forms P217S.
Identifiers: ClinVar variation 3012762 (VCV003012762.3), dbSNP rs2497799134, ClinGen allele CA379805722.
Genomic context (GRCh38, chr11:17,771,743, plus strand): 5'-CTCTTCTTCATCCTGGTCTCCATCACCACCTTCTGCCTGGAGACCCACGAGCGCTTCAAC[C>T]CCATCGTGAACAAGACGGAGATCGAGAACGTTCGCAATGGCACGCAAGTGCGCTACTACC-3'
Protein context (NP_001106212.1, residues 207-227): FCLETHERFN[Pro217Ser]IVNKTEIENV